The following is an entry in ClinVar:

ClinVar aggregate classification (germline): Conflicting classifications of pathogenicity. Review status: criteria provided, conflicting classifications (1 of 4 stars). 2 submissions from 2 submitters: Uncertain significance (1); Likely benign (1). Last evaluated 2024-09-18.

Allele frequency attached by ClinVar (database versions not stated): gnomAD exomes below 0.00001.
gnomAD v4.1: 6 of 1,613,300 alleles (0.00037%); highest among the groups gnomAD compares: Admixed American, 0.005%; no homozygotes.

Submissions (2):

Ambry Genetics
Classification: Likely benign. Last evaluated: 2024-09-18. Review status: criteria provided, single submitter. Criteria: Ambry Variant Classification Scheme 2023. Collection method: clinical testing. Allele origin: germline.

Labcorp Genetics (formerly Invitae), Labcorp
Classification: Uncertain significance. Last evaluated: 2022-01-15. Review status: criteria provided, single submitter. Criteria: Invitae Variant Classification Sherloc (09022015). Collection method: clinical testing. Allele origin: germline.
Comment: Algorithms developed to predict the effect of missense changes on protein structure and function output the following: SIFT: "Tolerated"; PolyPhen-2: "Benign"; Align-GVGD: "Class C0". The histidine amino acid residue is found in multiple mammalian species, which suggests that this missense change does not adversely affect protein function. This variant has not been reported in the literature in individuals affected with IL23R-related conditions. This variant is not present in population databases (gnomAD no frequency). This sequence change replaces tyrosine, which is neutral and polar, with histidine, which is basic and polar, at codon 241 of the IL23R protein (p.Tyr241His). In summary, the available evidence is currently insufficient to determine the role of this variant in disease. Therefore, it has been classified as a Variant of Uncertain Significance.

NM_144701.3(IL23R):c.721T>C (p.Tyr241His)

Gene: IL23R (interleukin 23 receptor; plus strand). Cytogenetic location: 1p31.3.
Variant type: single nucleotide variant.
Coding change: c.721T>C on transcript NM_144701.3 (MANE Select); coding-DNA position 721, T replaced by C.
Protein change: p.Tyr241His; replaces tyrosine 241 with histidine.
Molecular consequence: missense variant.
Genome position (GRCh38, 1-based): chr1:67,206,978, T>C. VCF-style: chr1-67206978-T-C. GRCh37 (hg19) VCF-style: chr1-67672661-T-C.
Other names: c.721T>C (NM_144701.2); short protein forms Y241H.
Identifiers: ClinVar variation 1464392 (VCV001464392.9), dbSNP rs2102637431, ClinGen allele CA340728292.